The following is an entry in ClinVar:

ClinVar aggregate classification (germline): Uncertain significance (1 of 4 stars; one submission).

Conditions:
Brown-Vialetto-van Laere syndrome 1. Also called: BROWN-VIALETTO-VAN LAERE SYNDROME 1, MILD; BULBAR PALSY, PROGRESSIVE, WITH SENSORINEURAL DEAFNESS; PONTOBULBAR PALSY WITH DEAFNESS. Identifiers: Orphanet 572550, Orphanet 97229, MedGen C0796274, MONDO:0024537, OMIM 211530.

Allele frequency attached by ClinVar (database versions not stated): TOPMed below 0.00001.

Submission:

Labcorp Genetics (formerly Invitae), Labcorp
Classification: Uncertain significance for Brown-Vialetto-van Laere syndrome 1. Last evaluated: 2022-04-26. Review status: criteria provided, single submitter. Criteria: Invitae Variant Classification Sherloc (09022015). Collection method: clinical testing. Allele origin: germline.
Comment: This sequence change replaces alanine, which is neutral and non-polar, with valine, which is neutral and non-polar, at codon 276 of the SLC52A3 protein (p.Ala276Val). This variant is not present in population databases (gnomAD no frequency). This variant has not been reported in the literature in individuals affected with SLC52A3-related conditions. Algorithms developed to predict the effect of missense changes on protein structure and function (SIFT, PolyPhen-2, Align-GVGD) all suggest that this variant is likely to be tolerated. In summary, the available evidence is currently insufficient to determine the role of this variant in disease. Therefore, it has been classified as a Variant of Uncertain Significance.

NM_033409.4(SLC52A3):c.827C>T (p.Ala276Val)

Gene: SLC52A3 (solute carrier family 52 member 3; minus strand). Cytogenetic location: 20p13.
Variant type: single nucleotide variant.
Coding change: c.827C>T on transcript NM_033409.4 (MANE Select); coding-DNA position 827, C replaced by T.
Protein change: p.Ala276Val; replaces alanine 276 with valine.
Molecular consequence: missense variant.
Genome position (GRCh38, 1-based): chr20:763,744, G>A on the plus strand (C>T on the coding strand, the complement: SLC52A3 is on the minus strand). VCF-style: chr20-763744-G-A. GRCh37 (hg19) VCF-style: chr20-744388-G-A.
Other names: c.827C>T, p.Ala276Val (NM_001370085.1, NM_001370086.1); short protein forms A276V.
Identifiers: ClinVar variation 1477733 (VCV001477733.4), dbSNP rs1986571785, ClinGen allele CA407963019.